The following is an entry in ClinVar:

NM_017780.4(CHD7):c.3522+2T>C

Gene: CHD7 (chromodomain helicase DNA binding protein 7; plus strand). Cytogenetic location: 8q12.2.
Variant type: single nucleotide variant.
Coding change: c.3522+2T>C on transcript NM_017780.4 (MANE Select); the canonical splice donor site of the intron after coding-DNA position 3522, T replaced by C.
Molecular consequence: splice donor variant. On other transcripts: intron variant (1).
Genome position (GRCh38, 1-based): chr8:60,828,808, T>C. VCF-style: chr8-60828808-T-C. GRCh37 (hg19) VCF-style: chr8-61741367-T-C.
Other names: c.1717-33421T>C (NM_001316690.1).
Identifiers: ClinVar variation 4540203 (VCV004540203.1).

ClinVar aggregate classification (germline): Likely pathogenic (1 of 4 stars; one submission).

Submission:

GeneDx
Classification: Likely pathogenic. Last evaluated: 2025-06-27. Review status: criteria provided, single submitter. Criteria: GeneDx Variant Classification Process June 2021. Collection method: clinical testing. Allele origin: germline. Affected: yes.
Comment: Canonical splice site variant predicted to result in an in-frame loss of the adjacent exon in a gene for which loss of function is a known mechanism of disease; Not observed at significant frequency in large population cohorts (gnomAD); This variant is associated with the following publications: (PMID: 22461308)